The following is an entry in ClinVar:

NM_017654.4(SAMD9):c.1504A>G (p.Ser502Gly)

Gene: SAMD9 (sterile alpha motif domain containing 9; minus strand). Cytogenetic location: 7q21.2.
Variant type: single nucleotide variant.
Coding change: c.1504A>G on transcript NM_017654.4 (MANE Select); coding-DNA position 1504, A replaced by G.
Protein change: p.Ser502Gly; replaces serine 502 with glycine.
Molecular consequence: missense variant.
Genome position (GRCh38, 1-based): chr7:93,104,594, T>C on the plus strand (A>G on the coding strand, the complement: SAMD9 is on the minus strand). VCF-style: chr7-93104594-T-C. GRCh37 (hg19) VCF-style: chr7-92733907-T-C.
Other names: c.1504A>G, p.Ser502Gly (NM_001193307.2); short protein forms S502G.
Identifiers: ClinVar variation 3949514 (VCV003949514.1).

ClinVar aggregate classification (germline): Uncertain significance (1 of 4 stars; one submission).

Conditions:
Inborn genetic diseases. Identifiers: MedGen C0950123, MeSH D030342.

gnomAD v4.1: 1 of 1,614,078 alleles (0.000062%); highest among the groups gnomAD compares: Non-Finnish European, 0.000085%; no homozygotes.

Submission:

Ambry Genetics
Classification: Uncertain significance for Inborn genetic diseases. Last evaluated: 2025-04-04. Review status: criteria provided, single submitter. Criteria: Ambry Variant Classification Scheme 2023. Collection method: clinical testing. Allele origin: germline.
Comment: The p.S502G variant (also known as c.1504A>G), located in coding exon 1 of the SAMD9 gene, results from an A to G substitution at nucleotide position 1504. The serine at codon 502 is replaced by glycine, an amino acid with similar properties. This amino acid position is conserved. In addition, this alteration is predicted to be tolerated by in silico analysis. Based on the available evidence, the clinical significance of this variant remains unclear.